The following is an entry in ClinVar:

NM_001349253.2(SCN11A):c.1861A>T (p.Ile621Leu)

Gene: SCN11A (sodium voltage-gated channel alpha subunit 11; minus strand). Cytogenetic location: 3p22.2.
Variant type: single nucleotide variant.
Coding change: c.1861A>T on transcript NM_001349253.2 (MANE Select); coding-DNA position 1861, A replaced by T.
Protein change: p.Ile621Leu; replaces isoleucine 621 with leucine.
Molecular consequence: missense variant.
Genome position (GRCh38, 1-based): chr3:38,900,055, T>A on the plus strand (A>T on the coding strand, the complement: SCN11A is on the minus strand). VCF-style: chr3-38900055-T-A. GRCh37 (hg19) VCF-style: chr3-38941546-T-A.
Other names: c.1861A>T, p.Ile621Leu (NM_014139.3); short protein forms I621L.
Identifiers: ClinVar variation 2076881 (VCV002076881.4), dbSNP rs1394910470, ClinGen allele CA352162068.

ClinVar aggregate classification (germline): Uncertain significance (1 of 4 stars; one submission).

Conditions:
Hereditary sensory and autonomic neuropathy type 7. Also called: Neuropathy, hereditary sensory and autonomic, type VII; HSAN VII. Identifiers: Orphanet 391397, MedGen C3809882, MONDO:0014244, OMIM 615548.
Familial episodic pain syndrome with predominantly lower limb involvement. Also called: Episodic pain syndrome, familial, 3. Identifiers: Orphanet 391384, Orphanet 391392, MedGen C3809899, MONDO:0014247, OMIM 615552.

Allele frequency attached by ClinVar (database versions not stated): gnomAD 0.00001; gnomAD exomes 0.00001; TOPMed 0.00001.
gnomAD v4.1: 5 of 1,613,756 alleles (0.00031%); highest among the groups gnomAD compares: Admixed American, 0.0067%; no homozygotes.

Submission:

Labcorp Genetics (formerly Invitae), Labcorp
Classification: Uncertain significance for Familial episodic pain syndrome with predominantly lower limb involvement; Hereditary sensory and autonomic neuropathy type 7. Last evaluated: 2023-02-15. Review status: criteria provided, single submitter. Criteria: Invitae Variant Classification Sherloc (09022015). Collection method: clinical testing. Allele origin: germline.
Comment: This variant has not been reported in the literature in individuals affected with SCN11A-related conditions. This variant is not present in population databases (gnomAD no frequency). This sequence change replaces isoleucine, which is neutral and non-polar, with leucine, which is neutral and non-polar, at codon 621 of the SCN11A protein (p.Ile621Leu). Advanced modeling of protein sequence and biophysical properties (such as structural, functional, and spatial information, amino acid conservation, physicochemical variation, residue mobility, and thermodynamic stability) performed at Invitae indicates that this missense variant is not expected to disrupt SCN11A protein function. In summary, the available evidence is currently insufficient to determine the role of this variant in disease. Therefore, it has been classified as a Variant of Uncertain Significance.